The following is an entry in ClinVar:

ClinVar aggregate classification (germline): Pathogenic. Review status: criteria provided, multiple submitters, no conflicts (2 of 4 stars). 2 submissions from 2 submitters: Pathogenic (2). Last evaluated 2025-06-22.

Conditions:
Neurofibromatosis, type 1 (NF1). Also called: Peripheral type neurofibromatosis; Neurofibromatosis, type I; NEUROFIBROMATOSIS, TYPE I, SOMATIC; VON RECKLINGHAUSEN DISEASE. Identifiers: Orphanet 636, MedGen C0027831, MONDO:0018975, OMIM 162200. Disease mechanism: loss of function.
Tibial pseudarthrosis. Identifiers: MedGen C4024216, HP:0009736.

Submissions (2):

Labcorp Genetics (formerly Invitae), Labcorp
Classification: Pathogenic for Neurofibromatosis, type 1. Last evaluated: 2025-06-22. Review status: criteria provided, single submitter. Criteria: Invitae Variant Classification Sherloc (09022015). Collection method: clinical testing. Allele origin: germline.
Comment: This sequence change creates a premature translational stop signal (p.Cys1878*) in the NF1 gene. It is expected to result in an absent or disrupted protein product. Loss-of-function variants in NF1 are known to be pathogenic (PMID: 10712197, 23913538). This variant is not present in population databases (gnomAD no frequency). This premature translational stop signal has been observed in individual(s) with neurofibromatosis type 1 (PMID: 31533797). This variant is also known as c.5697T>A (p.Cys1899*). ClinVar contains an entry for this variant (Variation ID: 818197). For these reasons, this variant has been classified as Pathogenic.

The Laboratory of Genetics and Metabolism, Hunan Children’s Hospital
Classification: Pathogenic for Neurofibromatosis, type 1; Tibial pseudoarthrosis. Last evaluated: 2018-11-10. Review status: criteria provided, single submitter. Criteria: ACMG Guidelines, 2015. Collection method: research. Allele origin: maternal. Affected: yes. Observed: 1 variant allele.

Literature cited by the submitters: PubMed 10712197 (cited by Labcorp Genetics (formerly Invitae), Labcorp); PubMed 23913538 (cited by Labcorp Genetics (formerly Invitae), Labcorp); PubMed 31533797 (cited by Labcorp Genetics (formerly Invitae), Labcorp and The Laboratory of Genetics and Metabolism, Hunan Children’s Hospital).

NM_001042492.3(NF1):c.5697T>A (p.Cys1899Ter)

Gene: NF1 (neurofibromin 1; plus strand). Cytogenetic location: 17q11.2.
Variant type: single nucleotide variant.
Coding change: c.5697T>A on transcript NM_001042492.3 (MANE Select); coding-DNA position 5697, T replaced by A.
Protein change: p.Cys1899Ter; replaces cysteine 1899 with a stop codon.
Molecular consequence: nonsense.
Genome position (GRCh38, 1-based): chr17:31,330,383, T>A. VCF-style: chr17-31330383-T-A. GRCh37 (hg19) VCF-style: chr17-29657401-T-A.
Other names: c.5634T>A, p.Cys1878Ter (NM_000267.4); short protein forms C1878*, C1899*.
Identifiers: ClinVar variation 818197 (VCV000818197.3), dbSNP rs1597834760, ClinGen allele CA399010277.